The following is an entry in ClinVar:

ClinVar aggregate classification (germline): Likely benign. Review status: criteria provided, multiple submitters, no conflicts (2 of 4 stars). 3 submissions from 3 submitters: Likely benign (3). Last evaluated 2026-06-01.

Conditions:
Cardiomyopathy (CMYO). Also called: Cardiomyopathies. Identifiers: Orphanet 167848, MedGen C0878544, MONDO:0004994, HP:0001638. Inheritance: Various modes of inheritance.
Catecholaminergic polymorphic ventricular tachycardia 1. Also called: VENTRICULAR TACHYCARDIA, STRESS-INDUCED POLYMORPHIC 1; RYR2-Related Catecholaminergic Polymorphic Ventricular Tachycardia; VENTRICULAR TACHYCARDIA, CATECHOLAMINERGIC POLYMORPHIC, 1, WITH OR WITHOUT ATRIAL DYSFUNCTION AND/OR DILATED CARDIOMYOPATHY. Identifiers: Orphanet 3286, MedGen C1631597, MONDO:0011484, OMIM 604772.

Allele frequency attached by ClinVar (database versions not stated): gnomAD exomes 0.00001 and 0.00006; gnomAD 0.00024 and 0.00025; TOPMed 0.00026.
gnomAD v4.1: 51 of 1,487,292 alleles (0.0034%); highest among the groups gnomAD compares: Admixed American, 0.11%; no homozygotes.

Submissions (3):

CeGaT Center for Human Genetics Tuebingen
Classification: Likely benign. Last evaluated: 2026-06-01. Review status: criteria provided, single submitter. Criteria: CeGaT Center For Human Genetics Tuebingen Variant Classification Criteria Version 2. Collection method: clinical testing. Allele origin: germline. Affected: yes. Observed: 2 variant alleles.
Comment: RYR2: BS1

Labcorp Genetics (formerly Invitae), Labcorp
Classification: Likely benign for Catecholaminergic polymorphic ventricular tachycardia 1. Last evaluated: 2025-11-06. Review status: criteria provided, single submitter. Criteria: Invitae Variant Classification Sherloc (09022015). Collection method: clinical testing. Allele origin: germline.

Color Diagnostics, LLC DBA Color Health
Classification: Likely benign for Cardiomyopathy. Last evaluated: 2023-07-26. Review status: criteria provided, single submitter. Criteria: ACMG Guidelines, 2015. Collection method: clinical testing. Allele origin: germline.

NM_001035.3(RYR2):c.8204A>C (p.Asp2735Ala)

Gene: RYR2 (ryanodine receptor 2; plus strand). Cytogenetic location: 1q43.
Variant type: single nucleotide variant.
Coding change: c.8204A>C on transcript NM_001035.3 (MANE Select); coding-DNA position 8204, A replaced by C.
Protein change: p.Asp2735Ala; replaces aspartic acid 2735 with alanine.
Molecular consequence: missense variant.
Genome position (GRCh38, 1-based): chr1:237,658,018, A>C. VCF-style: chr1-237658018-A-C. GRCh37 (hg19) VCF-style: chr1-237821318-A-C.
Other names: short protein forms D2735A.
Identifiers: ClinVar variation 965149 (VCV000965149.15), dbSNP rs1213772557, ClinGen allele CA345401280.
Genomic context (GRCh38, chr1:237,658,018, plus strand): 5'-AGAAATTGGAATACTTCATTAACAAATATGCAGAACACTCCCATGACAAATGGTCAATGG[A>C]CAAGGTAAAAAGAGTATTACATTCTAATTCAGTAGTCATTATTAATGACTGGTCACTGTT-3'
Protein context (NP_001026.2, residues 2725-2745): AEHSHDKWSM[Asp2735Ala]KLANGWIYGE